The following is an entry in ClinVar:

ClinVar aggregate classification (germline): Pathogenic. Review status: criteria provided, multiple submitters, no conflicts (2 of 4 stars). 2 submissions from 2 submitters: Pathogenic (2). Last evaluated 2025-12-18.

Conditions:
Usher syndrome type 1F (USH1F). Also called: USHER SYNDROME, TYPE IF. Identifiers: Orphanet 231169, Orphanet 886, MedGen C1865885, MONDO:0011186, OMIM 602083.

Submissions (2):

Myriad Genetics, Inc.
Classification: Pathogenic for Usher syndrome type 1F. Last evaluated: 2025-12-18. Review status: criteria provided, single submitter. Criteria: Myriad Autosomal Dominant, Autosomal Recessive and X-Linked Classification Criteria (2023). Collection method: clinical testing. Allele origin: unknown.
Comment: NM_033056.3(PCDH15):c.3207C>A(Y1069*) is expected to be pathogenic in the context of PCDH15-related disorders. This variant is predicted to lead to an abnormal or absent protein product due to the creation of a premature termination codon in PCDH15, a gene where loss-of-function variants are known to be pathogenic. Please note: this variant was assessed in the context of healthy population screening.

Labcorp Genetics (formerly Invitae), Labcorp
Classification: Pathogenic. Last evaluated: 2024-01-25. Review status: criteria provided, single submitter. Criteria: Invitae Variant Classification Sherloc (09022015). Collection method: clinical testing. Allele origin: germline.
Comment: This sequence change creates a premature translational stop signal (p.Tyr1069*) in the PCDH15 gene. It is expected to result in an absent or disrupted protein product. Loss-of-function variants in PCDH15 are known to be pathogenic (PMID: 11398101, 11487575, 14570705). This variant is not present in population databases (gnomAD no frequency). This variant has not been reported in the literature in individuals affected with PCDH15-related conditions. For these reasons, this variant has been classified as Pathogenic.

Literature cited by the submitters: PubMed 11398101 (cited by Labcorp Genetics (formerly Invitae), Labcorp); PubMed 11487575 (cited by Labcorp Genetics (formerly Invitae), Labcorp); PubMed 14570705 (cited by Labcorp Genetics (formerly Invitae), Labcorp).

NM_001384140.1(PCDH15):c.3207C>A (p.Tyr1069Ter)

Gene: PCDH15 (protocadherin related 15; minus strand). Cytogenetic location: 10q21.1.
Variant type: single nucleotide variant.
Coding change: c.3207C>A on transcript NM_001384140.1 (MANE Select); coding-DNA position 3207, C replaced by A.
Protein change: p.Tyr1069Ter; replaces tyrosine 1069 with a stop codon.
Molecular consequence: nonsense.
Genome position (GRCh38, 1-based): chr10:53,940,891, G>T on the plus strand (C>A on the coding strand, the complement: PCDH15 is on the minus strand). VCF-style: chr10-53940891-G-T. GRCh37 (hg19) VCF-style: chr10-55700651-G-T.
Other names: c.3222C>A, p.Tyr1074Ter (NM_001142763.2, NM_001142771.2); c.3207C>A, p.Tyr1069Ter (NM_001142764.2, NM_001142766.2, NM_001142770.3 and 4 more transcripts); c.2994C>A, p.Tyr998Ter (NM_001142765.2); c.3096C>A, p.Tyr1032Ter (NM_001142767.2); c.3141C>A, p.Tyr1047Ter (NM_001142768.2, NM_001142773.2, NM_001354404.2); c.3243C>A, p.Tyr1081Ter (NM_001142769.4); c.3228C>A, p.Tyr1076Ter (NM_001354411.2); short protein forms Y1032*, Y1047*, Y1081*, Y1074*, Y998*, Y1069*, Y1076*.
Identifiers: ClinVar variation 2711312 (VCV002711312.4), dbSNP rs2086001179, ClinGen allele CA376517479.